The following is an entry in ClinVar:

NM_020821.3(VPS13C):c.7128A>G (p.Gln2376=)

Gene: VPS13C (vacuolar protein sorting 13 homolog C; minus strand). Cytogenetic location: 15q22.2.
Variant type: single nucleotide variant.
Coding change: c.7128A>G on transcript NM_020821.3 (MANE Select); coding-DNA position 7128, A replaced by G.
Protein change: p.Gln2376=; no amino-acid change (glutamine 2376 retained).
Molecular consequence: synonymous variant.
Genome position (GRCh38, 1-based): chr15:61,920,582, T>C on the plus strand (A>G on the coding strand, the complement: VPS13C is on the minus strand). VCF-style: chr15-61920582-T-C. GRCh37 (hg19) VCF-style: chr15-62212781-T-C.
Other names: p.Gln2376=; c.7128A>G, p.Gln2376= (NM_001018088.3); c.6999A>G, p.Gln2333= (NM_017684.5, NM_018080.4).
Identifiers: ClinVar variation 1280048 (VCV001280048.14), dbSNP rs17238189, ClinGen allele CA7595349.

ClinVar aggregate classification (germline): Benign. Review status: criteria provided, multiple submitters, no conflicts (2 of 4 stars). 5 submissions from 5 submitters: Benign (4). 1 of the submissions does not count toward it. Last evaluated 2026-02-02.

Conditions:
VPS13C-related disorder. Also called: VPS13C-related condition.

Allele frequency attached by ClinVar (database versions not stated): ESP Exome Variant Server 0.04772; gnomAD 0.06657 and 0.06967; ExAC 0.07367; TOPMed 0.07134; 1000 Genomes Project 30x 0.12211; 1000 Genomes Project 0.12041.
gnomAD v4.1: 65,907 of 1,592,204 alleles (4.1%); highest among the groups gnomAD compares: East Asian, 21%; 3,277 homozygotes.

Submissions (7):

Labcorp Genetics (formerly Invitae), Labcorp
Classification: Benign. Last evaluated: 2026-02-02. Review status: criteria provided, single submitter. Criteria: Invitae Variant Classification Sherloc (09022015). Collection method: clinical testing. Allele origin: germline.

Mayo Clinic Laboratories, Mayo Clinic
Classification: Benign. Last evaluated: 2022-03-24. Review status: criteria provided, single submitter. Criteria: ACMG Guidelines, 2015. Collection method: clinical testing. Allele origin: germline. Observed: 44 variant alleles.

GeneDx
Classification: Benign. Last evaluated: 2021-05-05. Review status: criteria provided, single submitter. Criteria: GeneDx Variant Classification Process June 2021. Collection method: clinical testing. Allele origin: germline. Affected: yes.

Breakthrough Genomics
Classification: Benign. Review status: criteria provided, single submitter. Criteria: ACMG Guidelines, 2015. Collection method: not provided. Allele origin: germline. Inheritance: Autosomal recessive inheritance. Affected: yes.

PreventionGenetics, part of Exact Sciences
Classification: Benign for VPS13C-related condition. Last evaluated: 2019-06-05. Review status: no assertion criteria provided. Collection method: clinical testing. Allele origin: germline. Not counted in ClinVar's aggregate classification.
Comment: This variant is classified as benign based on ACMG/AMP sequence variant interpretation guidelines (Richards et al. 2015 PMID: 25741868, with internal and published modifications).

Dr. Peter K. Rogan Lab, Western University
No classification provided (evidence only). Condition: Sarcoma. Review status: no classification provided. Collection method: in vitro. Allele origin: not applicable. Functional consequence: retained intron. Not counted in ClinVar's aggregate classification.

Dr. Peter K. Rogan Lab, Western University
No classification provided (evidence only). Condition: Nonpapillary renal cell carcinoma. Review status: no classification provided. Collection method: in vitro. Allele origin: not applicable. Functional consequence: retained intron. Not counted in ClinVar's aggregate classification.